The following is an entry in ClinVar:

NM_022089.4(ATP13A2):c.374C>A (p.Ala125Glu)

Gene: ATP13A2 (ATPase cation transporting 13A2; minus strand). Cytogenetic location: 1p36.13.
Variant type: single nucleotide variant.
Coding change: c.374C>A on transcript NM_022089.4 (MANE Select); coding-DNA position 374, C replaced by A.
Protein change: p.Ala125Glu; replaces alanine 125 with glutamic acid.
Molecular consequence: missense variant.
Genome position (GRCh38, 1-based): chr1:17,004,795, G>T on the plus strand (C>A on the coding strand, the complement: ATP13A2 is on the minus strand). VCF-style: chr1-17004795-G-T. GRCh37 (hg19) VCF-style: chr1-17331290-G-T.
Other names: c.374C>A, p.Ala125Glu (NM_001141973.3, NM_001141974.3); short protein forms A125E.
Identifiers: ClinVar variation 2125076 (VCV002125076.4), dbSNP rs1050244144, ClinGen allele CA338263486.
Genomic context (GRCh38, chr1:17,004,795, plus strand): 5'-GTATCCTTCCAGGCACCCTCTGGTACCGCCCCAACTGCCGCCTGGCTCCGGCCATCCTCT[G>T]CCTGGGACTGTGGGGACGGCTCCAGGCTGGGGAAGCAGGTGAGGGTTACTCTCGAGCTCT-3'
Protein context (NP_071372.1, residues 115-135): GSLEPSPQSQ[Ala125Glu]EDGRSQAAVG

ClinVar aggregate classification (germline): Uncertain significance (1 of 4 stars; one submission).

Conditions:
Kufor-Rakeb syndrome (KRS). Also called: PARKINSON DISEASE 9, AUTOSOMAL RECESSIVE, JUVENILE-ONSET. Identifiers: Orphanet 306674, Orphanet 314632, MedGen C1847640, MONDO:0011706, OMIM 606693.
Autosomal recessive spastic paraplegia type 78. Identifiers: Orphanet 513436, MedGen C5567893, MONDO:0014975, OMIM 617225.

Submission:

Labcorp Genetics (formerly Invitae), Labcorp
Classification: Uncertain significance for Kufor-Rakeb syndrome; Autosomal recessive spastic paraplegia type 78. Last evaluated: 2023-08-17. Review status: criteria provided, single submitter. Criteria: Invitae Variant Classification Sherloc (09022015). Collection method: clinical testing. Allele origin: germline.
Comment: ClinVar contains an entry for this variant (Variation ID: 2125076). In summary, the available evidence is currently insufficient to determine the role of this variant in disease. Therefore, it has been classified as a Variant of Uncertain Significance. Advanced modeling of protein sequence and biophysical properties (such as structural, functional, and spatial information, amino acid conservation, physicochemical variation, residue mobility, and thermodynamic stability) performed at Invitae indicates that this missense variant is not expected to disrupt ATP13A2 protein function. This variant has not been reported in the literature in individuals affected with ATP13A2-related conditions. This variant is not present in population databases (gnomAD no frequency). This sequence change replaces alanine, which is neutral and non-polar, with glutamic acid, which is acidic and polar, at codon 125 of the ATP13A2 protein (p.Ala125Glu).